The following is an entry in ClinVar:

ClinVar aggregate classification (germline): Uncertain significance. Review status: criteria provided, multiple submitters, no conflicts (2 of 4 stars). 5 submissions from 5 submitters: Uncertain significance (5). Last evaluated 2025-11-03.

Conditions:
Hereditary cancer-predisposing syndrome. Also called: Neoplastic Syndromes, Hereditary; Hereditary neoplastic syndrome; Tumor predisposition; Hereditary Cancer Syndrome. Identifiers: Orphanet 140162, MedGen C0027672, MeSH D009386, MONDO:0015356.
Pheochromocytoma. Also called: MAX-Related Hereditary Paraganglioma-Pheochromocytoma Syndrome. Identifiers: Orphanet 29072, MedGen C0031511, MONDO:0008233, OMIM 171300, HP:0002666.
Carney-Stratakis syndrome. Also called: PARAGANGLIOMA AND GASTROINTESTINAL STROMAL TUMOR. Identifiers: Orphanet 97286, MedGen C1847319, MONDO:0011740, OMIM 606864.
Cowden syndrome 3 (CWS3). Identifiers: Orphanet 201, MedGen CN166604, MONDO:0014045.
Paragangliomas with sensorineural hearing loss. Identifiers: MedGen C1868633.
Mitochondrial complex 2 deficiency, nuclear type 3. Also called: MITOCHONDRIAL COMPLEX II DEFICIENCY, NUCLEAR TYPE 3. Identifiers: MedGen C5436934, MONDO:0030937, OMIM 619167.
Pheochromocytoma/paraganglioma syndrome 1. Also called: PARAGANGLIOMATA; Paraganglioma - glomus jugulare; SDHD-Related Hereditary Paraganglioma-Pheochromocytoma Syndrome; PARAGANGLIOMAS, FAMILIAL NONCHROMAFFIN, 1; PGL 1; Paragangliomas familial 1. Identifiers: Orphanet 29072, MedGen C3494181, MONDO:0008192, OMIM 168000.

Allele frequency attached by ClinVar (database versions not stated): gnomAD exomes below 0.00001; ExAC 0.00001; gnomAD 0.00001; TOPMed 0.00002.

Submissions (5):

Labcorp Genetics (formerly Invitae), Labcorp
Classification: Uncertain significance for Carney-Stratakis syndrome; Paragangliomas with sensorineural hearing loss; Pheochromocytoma; Cowden syndrome 3. Last evaluated: 2025-11-03. Review status: criteria provided, single submitter. Criteria: Invitae Variant Classification Sherloc (09022015). Collection method: clinical testing. Allele origin: germline.
Comment: This sequence change replaces tyrosine, which is neutral and polar, with histidine, which is basic and polar, at codon 144 of the SDHD protein (p.Tyr144His). This variant is present in population databases (rs774243340, gnomAD 0.006%). This variant has not been reported in the literature in individuals affected with SDHD-related conditions. ClinVar contains an entry for this variant (Variation ID: 1037130). Invitae Evidence Modeling of protein sequence and biophysical properties (such as structural, functional, and spatial information, amino acid conservation, physicochemical variation, residue mobility, and thermodynamic stability) indicates that this missense variant is not expected to disrupt SDHD protein function with a negative predictive value of 80%. In summary, the available evidence is currently insufficient to determine the role of this variant in disease. Therefore, it has been classified as a Variant of Uncertain Significance.

GeneDx
Classification: Uncertain significance. Last evaluated: 2025-06-10. Review status: criteria provided, single submitter. Criteria: GeneDx Variant Classification Process June 2021. Collection method: clinical testing. Allele origin: germline. Affected: yes.
Comment: Not observed at significant frequency in large population cohorts (gnomAD); In silico analysis supports that this missense variant has a deleterious effect on protein structure/function; Has not been previously published as pathogenic or benign to our knowledge

Ambry Genetics
Classification: Uncertain significance for Hereditary cancer-predisposing syndrome. Last evaluated: 2025-01-23. Review status: criteria provided, single submitter. Criteria: Ambry Variant Classification Scheme 2023. Collection method: clinical testing. Allele origin: germline.
Comment: The p.Y144H variant (also known as c.430T>C), located in coding exon 4 of the SDHD gene, results from a T to C substitution at nucleotide position 430. The tyrosine at codon 144 is replaced by histidine, an amino acid with similar properties. This amino acid position is conserved. In addition, this alteration is predicted to be deleterious by in silico analysis. Since supporting evidence is limited at this time, the clinical significance of this alteration remains unclear.

Baylor Genetics
Classification: Uncertain significance for Mitochondrial complex 2 deficiency, nuclear type 3. Last evaluated: 2023-09-03. Review status: criteria provided, single submitter. Criteria: ACMG Guidelines, 2015. Collection method: clinical testing. Allele origin: unknown.

Juno Genomics, Hangzhou Juno Genomics, Inc
Classification: Uncertain significance for Pheochromocytoma/paraganglioma syndrome 1; Mitochondrial complex 2 deficiency, nuclear type 3; Carney-Stratakis syndrome. Review status: criteria provided, single submitter. Criteria: ACMG Guidelines, 2015. Collection method: clinical testing. Allele origin: germline.
Comment: Absent from controls (or at extremely low frequency if recessive) in Genome Aggregation Database.;Multiple lines of computational evidence support a deleterious effect on the gene or gene product.

NM_003002.4(SDHD):c.430T>C (p.Tyr144His)

Gene: SDHD (succinate dehydrogenase complex subunit D; plus strand). Cytogenetic location: 11q23.1.
Variant type: single nucleotide variant.
Coding change: c.430T>C on transcript NM_003002.4 (MANE Select); coding-DNA position 430, T replaced by C.
Protein change: p.Tyr144His; replaces tyrosine 144 with histidine.
Molecular consequence: missense variant. On other transcripts: 3 prime UTR variant (2), non-coding transcript variant (1).
Genome position (GRCh38, 1-based): chr11:112,094,920, T>C. VCF-style: chr11-112094920-T-C. GRCh37 (hg19) VCF-style: chr11-111965644-T-C.
Other names: c.*27T>C (NM_001276503.2); c.313T>C, p.Tyr105His (NM_001276504.2); c.*128T>C (NM_001276506.2); short protein forms Y105H, Y144H.
Identifiers: ClinVar variation 1037130 (VCV001037130.17), dbSNP rs774243340, ClinGen allele CA071384.